The following is an entry in ClinVar:

ClinVar aggregate classification (germline): Uncertain significance (1 of 4 stars; one submission).

Submission:

GeneDx
Classification: Uncertain significance. Last evaluated: 2026-03-05. Review status: criteria provided, single submitter. Criteria: GeneDx Variant Classification Process June 2021. Collection method: clinical testing. Allele origin: germline.
Comment: Not observed at significant frequency in large population cohorts (gnomAD); In silico analysis supports that this missense variant has a deleterious effect on protein structure/function; Has not been previously published as pathogenic or benign to our knowledge

NM_001173464.2(KIF21A):c.1291G>A (p.Glu431Lys)

Gene: KIF21A (kinesin family member 21A; minus strand). Cytogenetic location: 12q12.
Variant type: single nucleotide variant.
Coding change: c.1291G>A on transcript NM_001173464.2 (MANE Select); coding-DNA position 1291, G replaced by A.
Protein change: p.Glu431Lys; replaces glutamic acid 431 with lysine.
Molecular consequence: missense variant.
Genome position (GRCh38, 1-based): chr12:39,357,362, C>T on the plus strand (G>A on the coding strand, the complement: KIF21A is on the minus strand). VCF-style: chr12-39357362-C-T. GRCh37 (hg19) VCF-style: chr12-39751164-C-T.
Other names: c.1291G>A, p.Glu431Lys (NM_001173463.2, NM_001173465.2, NM_001378439.1 and 3 more transcripts); short protein forms E431K.
Identifiers: ClinVar variation 5009841 (VCV005009841.1).